The following is an entry in ClinVar:

ClinVar aggregate classification (germline): Uncertain significance. Review status: criteria provided, single submitter (1 of 4 stars). 2 submissions from 2 submitters: Uncertain significance (1). 1 of the submissions does not count toward it. Last evaluated 2025-12-06.

Conditions:
Autoimmune lymphoproliferative syndrome type 1. Also called: AUTOIMMUNE LYMPHOPROLIFERATIVE SYNDROME, TYPE I, AUTOSOMAL DOMINANT. Identifiers: Orphanet 3261, MedGen C2717884, MONDO:0011158, OMIM 601859.

Allele frequency attached by ClinVar (database versions not stated): gnomAD 0.00001; TOPMed 0.00001.
gnomAD v4.1: 10 of 1,613,060 alleles (0.00062%); highest among the groups gnomAD compares: East Asian, 0.0067%; no homozygotes.

Submissions (2):

Labcorp Genetics (formerly Invitae), Labcorp
Classification: Uncertain significance for Autoimmune lymphoproliferative syndrome. Last evaluated: 2025-12-06. Review status: criteria provided, single submitter. Criteria: Invitae Variant Classification Sherloc (09022015). Collection method: clinical testing. Allele origin: germline.
Comment: This sequence change replaces aspartic acid, which is acidic and polar, with glutamic acid, which is acidic and polar, at codon 144 of the FAS protein (p.Asp144Glu). This variant is present in population databases (rs574338716, gnomAD 0.01%). This variant has not been reported in the literature in individuals affected with FAS-related conditions. ClinVar contains an entry for this variant (Variation ID: 134373). An algorithm developed to predict the effect of missense changes on protein structure and function outputs the following: PolyPhen-2: "Benign". The glutamic acid amino acid residue is found in multiple mammalian species, which suggests that this missense change does not adversely affect protein function. In summary, the available evidence is currently insufficient to determine the role of this variant in disease. Therefore, it has been classified as a Variant of Uncertain Significance.

ITMI
No classification provided. Condition: AllHighlyPenetrant. Last evaluated: 2013-09-19. Review status: no classification provided. Collection method: reference population. Allele origin: germline. Not counted in ClinVar's aggregate classification.
Comment: Please see associated publication for description of ethnicities

Literature cited by the submitters: PubMed 24728327 (cited by ITMI).

NM_000043.6(FAS):c.432C>A (p.Asp144Glu)

Gene: FAS (Fas cell surface death receptor; plus strand). Cytogenetic location: 10q23.31.
Variant type: single nucleotide variant.
Coding change: c.432C>A on transcript NM_000043.6 (MANE Select); coding-DNA position 432, C replaced by A.
Protein change: p.Asp144Glu; replaces aspartic acid 144 with glutamic acid.
Molecular consequence: missense variant. On other transcripts: non-coding transcript variant (1).
Genome position (GRCh38, 1-based): chr10:89,008,986, C>A. VCF-style: chr10-89008986-C-A. GRCh37 (hg19) VCF-style: chr10-90768743-C-A.
Other names: c.432C>A, p.Asp144Glu (NM_001320619.2, NM_152871.4, NM_152872.4); short protein forms D144E.
Identifiers: ClinVar variation 134373 (VCV000134373.11), dbSNP rs574338716, ClinGen allele CA159634.